The following is an entry in ClinVar:

ClinVar aggregate classification (germline): Uncertain significance. Review status: criteria provided, multiple submitters, no conflicts (2 of 4 stars). 8 submissions from 8 submitters: Uncertain significance (7). 1 of the submissions does not count toward it. Last evaluated 2026-01-21.

Conditions:
KCNE1-related disorder. Also called: KCNE1-related condition.
Cardiovascular phenotype. Identifiers: MedGen CN230736.
Familial long QT syndrome (RWS). Also called: Congenital long QT syndrome; VENTRICULAR FIBRILLATION WITH PROLONGED QT INTERVAL; Romano-Ward syndrome. Identifiers: Orphanet 768, MedGen C1141890, MONDO:0019171.
Long QT syndrome 5 (LQT5). Identifiers: Orphanet 101016, Orphanet 768, MedGen C1867904, MONDO:0013372, OMIM 613695.
Jervell and Lange-Nielsen syndrome 2 (JLNS2). Identifiers: Orphanet 768, Orphanet 90647, MedGen C2676723, MONDO:0012871, OMIM 612347.
Long QT syndrome (LQTS). Identifiers: MedGen C0023976, MeSH D008133, MONDO:0002442. Disease mechanism: loss of function. Inheritance: Various modes of inheritance.

Allele frequency attached by ClinVar (database versions not stated): gnomAD exomes 0.00001 and 0.00004; ExAC 0.00003; gnomAD 0.00019.

Submissions (9):

Labcorp Genetics (formerly Invitae), Labcorp
Classification: Uncertain significance for Long QT syndrome. Last evaluated: 2026-01-21. Review status: criteria provided, single submitter. Criteria: Invitae Variant Classification Sherloc (09022015). Collection method: clinical testing. Allele origin: germline.
Comment: This sequence change replaces serine, which is neutral and polar, with leucine, which is neutral and non-polar, at codon 28 of the KCNE1 protein (p.Ser28Leu). This variant is present in population databases (rs199473350, gnomAD 0.01%). This missense change has been observed in individual(s) with clinical features of long QT syndrome (PMID: 16379539, 19841298, 19862833, 22429796, 25956966, 31941373). ClinVar contains an entry for this variant (Variation ID: 132682). Invitae Evidence Modeling of protein sequence and biophysical properties (such as structural, functional, and spatial information, amino acid conservation, physicochemical variation, residue mobility, and thermodynamic stability) has been performed for this missense variant. However, the output from this modeling did not meet the statistical confidence thresholds required to predict the impact of this variant on KCNE1 protein function. Experimental studies are conflicting or provide insufficient evidence to determine the effect of this variant on KCNE1 function (PMID: 25956966, 32058015). In summary, the available evidence is currently insufficient to determine the role of this variant in disease. Therefore, it has been classified as a Variant of Uncertain Significance.

PreventionGenetics, part of Exact Sciences
Classification: Uncertain significance for KCNE1-related condition. Last evaluated: 2025-11-02. Review status: criteria provided, single submitter. Criteria: ACMG Guidelines, 2015. Collection method: clinical testing. Allele origin: germline.
Comment: The KCNE1 c.83C>T variant is predicted to result in the amino acid substitution p.Ser28Leu. This variant was reported in multiple individual with long QT syndrome, although some individuals were noted to be primarily asymptomatic (Shim et al. 2005. PubMed ID: 16379539; Garmany et al. 2020. PubMed ID: 32058015; Obeyesekere et al. 2012. PubMed ID: 22429796; Table S1, Roberts et al. 2020. PubMed ID: 31941373). In vitro functional experiments have shown conflicting results of gain and loss of function (Garmany et al. 2020. PubMed ID: 32058015; Muhammad et al. 2024. PubMed ID: 38816749). This variant is reported in 0.013% of alleles in individuals of South Asian descent in gnomAD, including one homozygote in the larger gnomAD v4.1.0 database. At this time, the clinical significance of this variant is uncertain due to the absence of conclusive functional and genetic evidence.

Ambry Genetics
Classification: Uncertain significance for Cardiovascular phenotype. Last evaluated: 2024-12-29. Review status: criteria provided, single submitter. Criteria: Ambry Variant Classification Scheme 2023. Collection method: clinical testing. Allele origin: germline.

Blueprint Genetics
Classification: Uncertain significance. Last evaluated: 2024-11-06. Review status: criteria provided, single submitter. Criteria: ACMG Guidelines, 2015. Collection method: clinical testing. Allele origin: germline.

GeneDx
Classification: Uncertain significance. Last evaluated: 2024-07-09. Review status: criteria provided, single submitter. Criteria: GeneDx Variant Classification Process June 2021. Collection method: clinical testing. Allele origin: germline. Affected: yes.
Comment: In silico analysis indicates that this missense variant does not alter protein structure/function; Published in vitro functional studies demonstrate a damaging effect as this variant leads to a significant reduction in channel current (Garmany et al., 2020); nevertheless, it is unclear how these studies may translate to a pathogenic role in vivo.; This variant is associated with the following publications: (PMID: 24710009, 19716085, 16379539, 22429796, 19862833, 23124029, 26410412, 27784853, 25956966, 19841298, 25916402, 29511324, 22581653, 31941373, 32058015, 30461122)

Mayo Clinic Laboratories, Mayo Clinic
Classification: Uncertain significance. Last evaluated: 2022-10-27. Review status: criteria provided, single submitter. Criteria: ACMG Guidelines, 2015. Collection method: clinical testing. Allele origin: germline. Observed: 2 variant alleles.
Comment: PM2

Fulgent Genetics
Classification: Uncertain significance for Jervell and Lange-Nielsen syndrome 2; Long QT syndrome 5. Last evaluated: 2021-11-03. Review status: criteria provided, single submitter. Criteria: ACMG Guidelines, 2015. Collection method: clinical testing. Allele origin: unknown.

Cardiovascular Biomedical Research Unit, Royal Brompton & Harefield NHS Foundation Trust
No classification provided. Condition: Familial long QT syndrome. Review status: no classification provided. Collection method: literature only. Allele origin: germline. Not counted in ClinVar's aggregate classification.
Comment: This variant has been reported as associated with Long QT syndrome in the following publications (PMID:16379539;PMID:19716085;PMID:22429796). This is a literature report, and does not necessarily reflect the clinical interpretation of the Imperial College / Royal Brompton Cardiovascular Genetics laboratory.

Roden Lab, Vanderbilt University Medical Center
No classification provided (evidence only). Condition: Long QT syndrome 5. Review status: no classification provided. Collection method: in vitro. Allele origin: not applicable. Functional consequence: Effect on ion channel function. Not counted in ClinVar's aggregate classification.
ClinVar note: "not provided" was previously submitted as the classification for the variant. However, the classification appeared to be based only on an observation of functional data so it was converted to no classification on 2025-07-30.

Literature cited by the submitters: PubMed 16379539 (cited by 3 submitters); PubMed 19841298 (cited by Labcorp Genetics (formerly Invitae), Labcorp and Mayo Clinic Laboratories, Mayo Clinic); PubMed 19862833 (cited by Labcorp Genetics (formerly Invitae), Labcorp and Mayo Clinic Laboratories, Mayo Clinic); PubMed 22429796 (cited by 3 submitters); PubMed 25956966 (cited by Labcorp Genetics (formerly Invitae), Labcorp); PubMed 31941373 (cited by Labcorp Genetics (formerly Invitae), Labcorp and Mayo Clinic Laboratories, Mayo Clinic); PubMed 32058015 (cited by Labcorp Genetics (formerly Invitae), Labcorp and Mayo Clinic Laboratories, Mayo Clinic); PubMed 30461122 (cited by Mayo Clinic Laboratories, Mayo Clinic); PubMed 19716085 (cited by Cardiovascular Biomedical Research Unit, Royal Brompton & Harefield NHS Foundation Trust); PubMed 22581653 (cited by Cardiovascular Biomedical Research Unit, Royal Brompton & Harefield NHS Foundation Trust).

NM_000219.6(KCNE1):c.83C>T (p.Ser28Leu)

Gene: KCNE1 (potassium voltage-gated channel subfamily E regulatory subunit 1; minus strand). Cytogenetic location: 21q22.12.
Variant type: single nucleotide variant.
Coding change: c.83C>T on transcript NM_000219.6 (MANE Select); coding-DNA position 83, C replaced by T.
Protein change: p.Ser28Leu; replaces serine 28 with leucine.
Molecular consequence: missense variant.
Genome position (GRCh38, 1-based): chr21:34,449,552, G>A on the plus strand (C>T on the coding strand, the complement: KCNE1 is on the minus strand). VCF-style: chr21-34449552-G-A. GRCh37 (hg19) VCF-style: chr21-35821850-G-A.
Other names: c.83C>T (LRG_290t1); c.83C>T, p.Ser28Leu (NM_001127668.4, NM_001127669.4, NM_001127670.4 and 4 more transcripts); short protein forms S28L.
Identifiers: ClinVar variation 132682 (VCV000132682.25), dbSNP rs199473350, ClinGen allele CA331973.